The following is an entry in ClinVar:

NM_001160372.4(TRAPPC9):c.3098C>T (p.Ala1033Val)

Gene: TRAPPC9 (trafficking protein particle complex subunit 9; minus strand). Cytogenetic location: 8q24.3.
Variant type: single nucleotide variant.
Coding change: c.3098C>T on transcript NM_001160372.4 (MANE Select); coding-DNA position 3098, C replaced by T.
Protein change: p.Ala1033Val; replaces alanine 1033 with valine.
Molecular consequence: missense variant. On other transcripts: non-coding transcript variant (1).
Genome position (GRCh38, 1-based): chr8:139,732,160, G>A on the plus strand (C>T on the coding strand, the complement: TRAPPC9 is on the minus strand). VCF-style: chr8-139732160-G-A. GRCh37 (hg19) VCF-style: chr8-140744403-G-A.
Other names: c.3071C>T, p.Ala1024Val (NM_001321646.2); c.3119C>T, p.Ala1040Val (NM_001374682.1); c.2987C>T, p.Ala996Val (NM_001374683.1); c.2954C>T, p.Ala985Val (NM_001374684.1); c.3098C>T, p.Ala1033Val (NM_031466.8); short protein forms A1040V, A996V, A1024V, A1033V, A985V.
Identifiers: ClinVar variation 2157969 (VCV002157969.3), dbSNP rs376381483, ClinGen allele CA4892808.

ClinVar aggregate classification (germline): Uncertain significance (1 of 4 stars; one submission).

Allele frequency attached by ClinVar (database versions not stated): gnomAD exomes 0.00001; TOPMed 0.00003; ExAC 0.00005; gnomAD 0.00005; ESP Exome Variant Server 0.00008; 1000 Genomes Project 30x 0.00016; 1000 Genomes Project 0.00020.
gnomAD v4.1: 26 of 1,601,858 alleles (0.0016%); highest among the groups gnomAD compares: African/African-American, 0.0093%; no homozygotes.

Submission:

Labcorp Genetics (formerly Invitae), Labcorp
Classification: Uncertain significance. Last evaluated: 2024-05-06. Review status: criteria provided, single submitter. Criteria: Invitae Variant Classification Sherloc (09022015). Collection method: clinical testing. Allele origin: germline.
Comment: This sequence change replaces alanine, which is neutral and non-polar, with valine, which is neutral and non-polar, at codon 1131 of the TRAPPC9 protein (p.Ala1131Val). The frequency data for this variant in the population databases is considered unreliable, as metrics indicate poor data quality at this position in the gnomAD database. This variant has not been reported in the literature in individuals affected with TRAPPC9-related conditions. ClinVar contains an entry for this variant (Variation ID: 2157969). An algorithm developed to predict the effect of missense changes on protein structure and function (PolyPhen-2) suggests that this variant¬†is likely to be tolerated. In summary, the available evidence is currently insufficient to determine the role of this variant in disease. Therefore, it has been classified as a Variant of Uncertain Significance.